The following is an entry in ClinVar:

NM_001083962.2(TCF4):c.*3058C>T

Gene: TCF4 (transcription factor 4; minus strand). Cytogenetic location: 18q21.2.
Variant type: single nucleotide variant.
Coding change: c.*3058C>T on transcript NM_001083962.2 (MANE Select); 3058 bases downstream of the stop codon, C replaced by T.
Molecular consequence: 3 prime UTR variant.
Genome position (GRCh38, 1-based): chr18:55,224,977, G>A on the plus strand (C>T on the coding strand, the complement: TCF4 is on the minus strand). VCF-style: chr18-55224977-G-A. GRCh37 (hg19) VCF-style: chr18-52892208-G-A.
Other names: c.*3058C>T (NM_001243226.3, NM_001243227.2, NM_001243228.2 and 42 more transcripts).
Identifiers: ClinVar variation 327263 (VCV000327263.5), dbSNP rs543261219, ClinGen allele CA10651849.

ClinVar aggregate classification (germline): Benign (1 of 4 stars; one submission).

Conditions:
Pitt-Hopkins syndrome (PTHS). Also called: ENCEPHALOPATHY, SEVERE EPILEPTIC, WITH AUTONOMIC DYSFUNCTION; MENTAL RETARDATION, SYNDROMAL, WITH INTERMITTENT HYPERVENTILATION. Identifiers: Orphanet 2896, MedGen C1970431, MONDO:0012589, OMIM 610954.

Allele frequency attached by ClinVar (database versions not stated): gnomAD 0.00001; 1000 Genomes Project 30x 0.00031; 1000 Genomes Project 0.00040.
gnomAD v4.1: 2 of 152,192 alleles (0.0013%); highest among the groups gnomAD compares: South Asian, 0.041%; no homozygotes.

Submission:

Illumina Laboratory Services, Illumina
Classification: Benign for Pitt-Hopkins syndrome. Last evaluated: 2018-01-12. Review status: criteria provided, single submitter. Criteria: ICSL Variant Classification Criteria 13 December 2019. Collection method: clinical testing. Allele origin: germline.
Comment: This variant was observed in the ICSL laboratory as part of a predisposition screen in an ostensibly healthy population. It had not been previously curated by ICSL or reported in the Human Gene Mutation Database (HGMD: prior to June 1st, 2018), and was therefore a candidate for classification through an automated scoring system. Utilizing variant allele frequency, disease prevalence and penetrance estimates, and inheritance mode, an automated score was calculated to assess if this variant is too frequent to cause the disease. Based on the score and internal cut-off values, a variant classified as benign is not then subjected to further curation. The score for this variant resulted in a classification of benign for this disease.